The following is an entry in ClinVar:

NM_001012338.3(NTRK3):c.-1G>A

Genes: NTRK3 (neurotrophic receptor tyrosine kinase 3; minus strand), NTRK3-AS1 (NTRK3 antisense RNA 1; plus strand). Cytogenetic location: 15q25.3.
Variant type: single nucleotide variant.
Coding change: c.-1G>A on transcript NM_001012338.3 (MANE Select); 1 bases upstream of the start codon, G replaced by A.
Molecular consequence: 5 prime UTR variant.
Genome position (GRCh38, 1-based): chr15:88,256,154, C>T on the plus strand (G>A on the coding strand, the complement: NTRK3 is on the minus strand). VCF-style: chr15-88256154-C-T. GRCh37 (hg19) VCF-style: chr15-88799385-C-T.
Other names: c.-1G>A (NM_001007155.1, NM_001007156.3, NM_001243101.2 and 7 more transcripts).
Identifiers: ClinVar variation 3041033 (VCV003041033.2), dbSNP rs140166305, ClinGen allele CA7717439.

ClinVar aggregate classification (germline): Likely benign (0 of 4 stars; one submission).

Conditions:
NTRK3-related disorder. Also called: NTRK3-related condition.

Allele frequency attached by ClinVar (database versions not stated): 1000 Genomes Project 30x 0.00031; 1000 Genomes Project 0.00040; gnomAD 0.00098; TOPMed 0.00109; ExAC 0.00131; ESP Exome Variant Server 0.00131; gnomAD exomes 0.00167.
gnomAD v4.1: 2,543 of 1,598,932 alleles (0.16%); highest among the groups gnomAD compares: Non-Finnish European, 0.2%; 3 homozygotes.

Submission:

PreventionGenetics, part of Exact Sciences
Classification: Likely benign for NTRK3-related condition. Last evaluated: 2019-03-06. Review status: no assertion criteria provided. Collection method: clinical testing. Allele origin: germline.
Comment: This variant is classified as likely benign based on ACMG/AMP sequence variant interpretation guidelines (Richards et al. 2015 PMID: 25741868, with internal and published modifications).